The following is an entry in ClinVar:

NM_000135.4(FANCA):c.2680A>T (p.Arg894Ter)

Genes: FANCA (FA complementation group A; minus strand), LOC130059837 (ATAC-STARR-seq lymphoblastoid active region 11420; plus strand). Cytogenetic location: 16q24.3.
Variant type: single nucleotide variant.
Coding change: c.2680A>T on transcript NM_000135.4 (MANE Select); coding-DNA position 2680, A replaced by T.
Protein change: p.Arg894Ter; replaces arginine 894 with a stop codon.
Molecular consequence: nonsense.
Genome position (GRCh38, 1-based): chr16:89,764,988, T>A on the plus strand (A>T on the coding strand, the complement: FANCA is on the minus strand). VCF-style: chr16-89764988-T-A. GRCh37 (hg19) VCF-style: chr16-89831396-T-A.
Other names: c.2680A>T, p.Arg894Ter (NM_001286167.3); short protein forms R894*.
Identifiers: ClinVar variation 3234882 (VCV003234882.1), dbSNP rs2544178386, ClinGen allele CA397438473.

ClinVar aggregate classification (germline): Likely pathogenic (1 of 4 stars; one submission).

Conditions:
Fanconi anemia complementation group A (FANCA). Also called: Fanconi anemia, group A; FANCA-Related Fanconi Anemia. Identifiers: Orphanet 84, MedGen C3469521, MONDO:0009215, OMIM 227650.

Submission:

Neuberg Centre For Genomic Medicine, NCGM
Classification: Likely pathogenic for Fanconi anemia complementation group A. Review status: criteria provided, single submitter. Criteria: ACMG Guidelines, 2015. Collection method: clinical testing. Allele origin: germline. Inheritance: Autosomal recessive inheritance. Affected: yes.
Comment: The stop gained c.2680A>Tp.Arg894Ter variant in FANCA gene has not been reported previously as a pathogenic variant nor as a benign variant, to our knowledge. This variant is novel not in any individuals in gnomAD Exomes and 1000 Genomes. This variant is predicted to cause loss of normal protein function either through protein truncation or nonsense-mediated mRNA decay. Loss of function variants have been previously reported to be disease causing. For these reasons, this variant has been classified as Likely Pathogenic.